The following is an entry in ClinVar:

ClinVar aggregate classification (germline): Conflicting classifications of pathogenicity. Review status: criteria provided, conflicting classifications (1 of 4 stars). 3 submissions from 2 submitters: Uncertain significance (2); Likely benign (1). Last evaluated 2025-07-20.

Conditions:
GNE myopathy (NM). Also called: NONAKA DISTAL MYOPATHY; IBM 2; Inclusion body myopathy autosomal recessive; Inclusion body myopathy quadriceps sparing; INCLUSION BODY MYOPATHY, HEREDITARY, AUTOSOMAL RECESSIVE; INCLUSION BODY MYOPATHY 2, AUTOSOMAL RECESSIVE. Identifiers: Orphanet 602, MedGen C1853926, MONDO:0011603, OMIM 605820.
Sialuria. Also called: SIALURIA, FRENCH TYPE; Sialic Acid Storage Disease. Identifiers: Orphanet 3166, MedGen C0342853, MONDO:0010028, OMIM 269921.

Allele frequency attached by ClinVar (database versions not stated): gnomAD 0.00001; gnomAD exomes 0.00001; TOPMed 0.00001; ExAC 0.00002.
gnomAD v4.1: 10 of 1,614,040 alleles (0.00062%); highest among the groups gnomAD compares: South Asian, 0.0022%; no homozygotes.

Submissions (3):

Labcorp Genetics (formerly Invitae), Labcorp
Classification: Uncertain significance for Sialuria; GNE myopathy. Last evaluated: 2025-07-20. Review status: criteria provided, single submitter. Criteria: Invitae Variant Classification Sherloc (09022015). Collection method: clinical testing. Allele origin: germline.
Comment: This sequence change replaces arginine, which is basic and polar, with histidine, which is basic and polar, at codon 208 of the GNE protein (p.Arg208His). This variant is present in population databases (rs772597073, gnomAD 0.01%). This variant has not been reported in the literature in individuals affected with GNE-related conditions. ClinVar contains an entry for this variant (Variation ID: 913582). Invitae Evidence Modeling of protein sequence and biophysical properties (such as structural, functional, and spatial information, amino acid conservation, physicochemical variation, residue mobility, and thermodynamic stability) has been performed for this missense variant. However, the output from this modeling did not meet the statistical confidence thresholds required to predict the impact of this variant on GNE protein function. This variant disrupts the p.Arg208 amino acid residue in GNE. Other variant(s) that disrupt this residue have been determined to be pathogenic (PMID: 12473753, 14707127, 24027297, 25986339). This suggests that this residue is clinically significant, and that variants that disrupt this residue are likely to be disease-causing. In summary, the available evidence is currently insufficient to determine the role of this variant in disease. Therefore, it has been classified as a Variant of Uncertain Significance.

Illumina Laboratory Services, Illumina
Classification: Likely benign for Sialuria. Last evaluated: 2018-01-12. Review status: criteria provided, single submitter. Criteria: ICSL Variant Classification Criteria 13 December 2019. Collection method: clinical testing. Allele origin: germline.
Comment: This variant was observed in the ICSL laboratory as part of a predisposition screen in an ostensibly healthy population. It had not been previously curated by ICSL or reported in the Human Gene Mutation Database (HGMD: prior to June 1st, 2018), and was therefore a candidate for classification through an automated scoring system. Utilizing variant allele frequency, disease prevalence and penetrance estimates, and inheritance mode, an automated score was calculated to assess if this variant is too frequent to cause the disease. Based on the score and internal cut-off values, a variant classified as likely benign is not then subjected to further curation. The score for this variant resulted in a classification of likely benign for this disease.

Illumina Laboratory Services, Illumina
Classification: Uncertain significance for GNE myopathy. Last evaluated: 2018-01-12. Review status: criteria provided, single submitter. Criteria: ICSL Variant Classification Criteria 13 December 2019. Collection method: clinical testing. Allele origin: germline.

Literature cited by the submitters: PubMed 12473753 (cited by Labcorp Genetics (formerly Invitae), Labcorp); PubMed 14707127 (cited by Labcorp Genetics (formerly Invitae), Labcorp); PubMed 24027297 (cited by Labcorp Genetics (formerly Invitae), Labcorp); PubMed 25986339 (cited by Labcorp Genetics (formerly Invitae), Labcorp).

NM_005476.7(GNE):c.530G>A (p.Arg177His)

Gene: GNE (glucosamine (UDP-N-acetyl)-2-epimerase/N-acetylmannosamine kinase; minus strand). Cytogenetic location: 9p13.3.
Variant type: single nucleotide variant.
Coding change: c.530G>A on transcript NM_005476.7 (MANE Select); coding-DNA position 530, G replaced by A.
Protein change: p.Arg177His; replaces arginine 177 with histidine.
Molecular consequence: missense variant.
Genome position (GRCh38, 1-based): chr9:36,246,117, C>T on the plus strand (G>A on the coding strand, the complement: GNE is on the minus strand). VCF-style: chr9-36246117-C-T. GRCh37 (hg19) VCF-style: chr9-36246114-C-T.
Other names: c.623G>A, p.Arg208His (NM_001128227.3); c.530G>A, p.Arg177His (NM_001190383.3, NM_001374797.1); c.353G>A, p.Arg118His (NM_001190384.3, NM_001190388.2, NM_001374798.1); short protein forms R177H, R118H, R208H.
Identifiers: ClinVar variation 913582 (VCV000913582.6), dbSNP rs772597073, ClinGen allele CA5056715.